The following is an entry in ClinVar:

ClinVar aggregate classification (germline): Benign (0 of 4 stars; one submission).

Conditions:
USP15-related disorder. Also called: USP15-related condition.

Allele frequency attached by ClinVar (database versions not stated): ExAC 0.28627; gnomAD exomes 0.30167; 1000 Genomes Project 0.31849; 1000 Genomes Project 30x 0.32573; gnomAD 0.33141; TOPMed 0.33826; ESP Exome Variant Server 0.35830.
gnomAD v4.1: 490,266 of 1,610,132 alleles (30%); highest among the groups gnomAD compares: African/African-American, 46%; 77,114 homozygotes.

Submission:

PreventionGenetics, part of Exact Sciences
Classification: Benign for USP15-related condition. Last evaluated: 2019-10-17. Review status: no assertion criteria provided. Collection method: clinical testing. Allele origin: germline.
Comment: This variant is classified as benign based on ACMG/AMP sequence variant interpretation guidelines (Richards et al. 2015 PMID: 25741868, with internal and published modifications).

NM_001252078.2(USP15):c.246C>T (p.His82=)

Gene: USP15 (ubiquitin specific peptidase 15; plus strand). Cytogenetic location: 12q14.1.
Variant type: single nucleotide variant.
Coding change: c.246C>T on transcript NM_001252078.2 (MANE Select); coding-DNA position 246, C replaced by T.
Protein change: p.His82=; no amino-acid change (histidine 82 retained).
Molecular consequence: synonymous variant. On other transcripts: 5 prime UTR variant (6), non-coding transcript variant (5).
Genome position (GRCh38, 1-based): chr12:62,302,818, C>T. VCF-style: chr12-62302818-C-T. GRCh37 (hg19) VCF-style: chr12-62696599-C-T.
Other names: c.246C>T, p.His82= (NM_001252079.2, NM_001351161.2, NM_006313.3); c.-1504C>T (NM_001351159.2); c.-353C>T (NM_001351160.2); c.-813C>T (NM_001351163.2); c.-752C>T (NM_001351164.2); c.-2286C>T (NM_001351165.2); c.-900C>T (NM_001351166.2).
Identifiers: ClinVar variation 3060061 (VCV003060061.2), dbSNP rs11174420, ClinGen allele CA6662462.
Genomic context (GRCh38, chr12:62,302,818, plus strand): 5'-GTTAGGTATTGAGTTTATTTTTTCTTTTGCAGATGGTGATGCCCAGTCACTTAAGGAACA[C>T]CTTATTGATGAATTGGATTACATACTGTTGCCAACTGAAGGTTGGAATAAACTTGTCAGC-3'
Protein context (NP_001239007.1, residues 72-92): KDGDAQSLKE[His82=]LIDELDYILL